The following is an entry in ClinVar:

NM_000535.7(PMS2):c.1924G>T (p.Glu642Ter)

Gene: PMS2 (PMS1 homolog 2, mismatch repair system component; minus strand). Cytogenetic location: 7p22.1.
Variant type: single nucleotide variant.
Coding change: c.1924G>T on transcript NM_000535.7 (MANE Select); coding-DNA position 1924, G replaced by T.
Protein change: p.Glu642Ter; replaces glutamic acid 642 with a stop codon.
Molecular consequence: nonsense. On other transcripts: non-coding transcript variant (1), intron variant (1).
Genome position (GRCh38, 1-based): chr7:5,986,841, C>A on the plus strand (G>T on the coding strand, the complement: PMS2 is on the minus strand). VCF-style: chr7-5986841-C-A. GRCh37 (hg19) VCF-style: chr7-6026472-C-A.
Other names: c.1606G>T, p.Glu536Ter (NM_001406876.1, NM_001406883.1, NM_001322007.2 and 2 more transcripts); c.1615G>T, p.Glu539Ter (NM_001406877.1, NM_001406878.1, NM_001406879.1 and 5 more transcripts); c.1600G>T, p.Glu534Ter (NM_001406884.1); c.1588G>T, p.Glu530Ter (NM_001406885.1); c.1558G>T, p.Glu520Ter (NM_001406886.1); c.1519G>T, p.Glu507Ter (NM_001406890.1, NM_001406887.1, NM_001406889.1 and 16 more transcripts); c.1768G>T, p.Glu590Ter (NM_001322006.2, NM_001406870.1); c.1363G>T, p.Glu455Ter (NM_001322010.2, NM_001406906.1, NM_001406907.1); and 13 more; short protein forms E530*, E534*, E704*, E451*, E455*, E487*, E520*, E536*.
Identifiers: ClinVar variation 4667309 (VCV004667309.1).

ClinVar aggregate classification (germline): Pathogenic (1 of 4 stars; one submission).

Conditions:
Hereditary cancer-predisposing syndrome. Also called: Neoplastic Syndromes, Hereditary; Tumor predisposition; Hereditary Cancer Syndrome; Hereditary neoplastic syndrome. Identifiers: Orphanet 140162, MedGen C0027672, MeSH D009386, MONDO:0015356.

Submission:

Ambry Genetics
Classification: Pathogenic for Hereditary cancer-predisposing syndrome. Last evaluated: 2025-10-08. Review status: criteria provided, single submitter. Criteria: Ambry Variant Classification Scheme 2023. Collection method: clinical testing. Allele origin: germline.
Comment: The p.E642* pathogenic mutation (also known as c.1924G>T), located in coding exon 11 of the PMS2 gene, results from a G to T substitution at nucleotide position 1924. This changes the amino acid from a glutamic acid to a stop codon within coding exon 11. This variant is considered to be rare based on population cohorts in the Genome Aggregation Database (gnomAD). This alteration is expected to result in loss of function by premature protein truncation or nonsense-mediated mRNA decay. As such, this alteration is interpreted as a disease-causing mutation.